The following is an entry in ClinVar:

ClinVar aggregate classification (germline): Pathogenic (1 of 4 stars; one submission).

Conditions:
Neurofibromatosis, type 1 (NF1). Also called: NEUROFIBROMATOSIS, TYPE I, SOMATIC; VON RECKLINGHAUSEN DISEASE; Neurofibromatosis, type I; Peripheral type neurofibromatosis. Identifiers: Orphanet 636, MedGen C0027831, MONDO:0018975, OMIM 162200. Disease mechanism: loss of function.

Submission:

Labcorp Genetics (formerly Invitae), Labcorp
Classification: Pathogenic for Neurofibromatosis, type 1. Last evaluated: 2018-10-17. Review status: criteria provided, single submitter. Criteria: Invitae Variant Classification Sherloc (09022015). Collection method: clinical testing. Allele origin: germline.
Comment: This sequence change creates a premature translational stop signal (p.His1473Leufs*6) in the NF1 gene. It is expected to result in an absent or disrupted protein product. This variant is not present in population databases (ExAC no frequency). This variant has not been reported in the literature in individuals with NF1-related disease. Loss-of-function variants in NF1 are known to be pathogenic (PMID: 10712197, 23913538). For these reasons, this variant has been classified as Pathogenic.

Literature cited by the submitters: PubMed 10712197; PubMed 23913538.

NM_001042492.3(NF1):c.4481del (p.His1494fs)

Gene: NF1 (neurofibromin 1; plus strand). Cytogenetic location: 17q11.2.
Variant type: Deletion.
Coding change: c.4481del on transcript NM_001042492.3 (MANE Select); coding-DNA position 4481, one base deleted (A; older notation c.4481delA).
Protein change: p.His1494fs; shifts the reading frame from histidine 1494.
Molecular consequence: frameshift variant.
Genome position (GRCh38, 1-based): chr17:31,260,419, A deleted. VCF-style (leftmost placement, unchanged base first): chr17-31260418-CA-C. GRCh37 (hg19) VCF-style: chr17-29587436-CA-C.
Other names: c.4418delA (NM_000267.3); c.4418delA, p.His1473Leufs (NM_000267.4); short protein forms H1473fs, H1494fs.
Identifiers: ClinVar variation 640494 (VCV000640494.5), dbSNP rs1597746982, ClinGen allele CA915949653.